The following is an entry in ClinVar:

NM_002485.5(NBN):c.1914+2_1914+3del

Genes: NBN (nibrin; minus strand), LOC126860438 (MED14-independent group 3 enhancer GRCh37_chr8:90959982-90961181; plus strand). Cytogenetic location: 8q21.3.
Variant type: Microsatellite.
Coding change: c.1914+2_1914+3del on transcript NM_002485.5 (MANE Select); the canonical splice donor site of the intron after coding-DNA position 1914 through 3 bases into the intron after coding-DNA position 1914, 2 bases deleted (TG; older notation c.1914+2_1914+3delTG).
Molecular consequence: splice donor variant.
Genome position (GRCh38, 1-based): chr8:89,947,821-89,947,822, CA deleted on the plus strand (TG on the coding strand, the reverse complement: NBN is on the minus strand); deleting any 2 consecutive bases within chr8:89,947,821-89,947,824 gives the same sequence; the c. name uses the placement nearest the transcript's 3' end. VCF-style (leftmost placement, unchanged base first): chr8-89947820-TCA-T. GRCh37 (hg19) VCF-style: chr8-90960048-TCA-T.
Other names: c.1914+2_1914+3delTG (NM_002485.4); c.1668+2_1668+3del (NM_001024688.3).
Identifiers: ClinVar variation 802418 (VCV000802418.18), dbSNP rs1586043528, ClinGen allele CA913187604.
Genomic context (GRCh38, chr8:89,947,820, plus strand): 5'-AAATTGATGAGATGACAGTCCCCGTAAGCCAAATCTGTATAAAAATTAATAAAACGTTTC[TCA>T]CAGATATTTCTTTAGCTGACCATAGTGAGTCTTCCTTGAGTTCACGTTTCTTCCCAATTT-3'

ClinVar aggregate classification (germline): Conflicting classifications of pathogenicity. Review status: criteria provided, conflicting classifications (1 of 4 stars). 6 submissions from 6 submitters: Likely pathogenic (3); Uncertain significance (3). Last evaluated 2024-08-19.

Conditions:
Aplastic anemia. Identifiers: Orphanet 182040, Orphanet 88, MedGen C0002874, MONDO:0015909, OMIM 609135, HP:0001915.
Microcephaly, normal intelligence and immunodeficiency (NBS). Also called: Microcephaly with normal intelligence immunodeficiency and lymphoreticular malignancies; Nonsyndromal microcephaly autosomal recessive with normal intelligence; Seemanova syndrome 2; Ataxia telangiectasia variant V1; BERLIN BREAKAGE SYNDROME; Immunodeficiency, microcephaly with normal intelligence. Identifiers: Orphanet 647, MedGen C0398791, MONDO:0009623, OMIM 251260.
Hereditary cancer-predisposing syndrome. Also called: Neoplastic Syndromes, Hereditary; Hereditary Cancer Syndrome; Tumor predisposition; Hereditary neoplastic syndrome. Identifiers: Orphanet 140162, MedGen C0027672, MeSH D009386, MONDO:0015356.

Submissions (6):

Labcorp Genetics (formerly Invitae), Labcorp
Classification: Likely pathogenic for Microcephaly, normal intelligence and immunodeficiency. Last evaluated: 2024-08-19. Review status: criteria provided, single submitter. Criteria: Invitae Variant Classification Sherloc (09022015). Collection method: clinical testing. Allele origin: germline.
Comment: This sequence change affects a splice site in intron 12 of the NBN gene. It is expected to disrupt RNA splicing. Variants that disrupt the donor or acceptor splice site typically lead to a loss of protein function (PMID: 16199547), and loss-of-function variants in NBN are known to be pathogenic (PMID: 9590180, 16415040). This variant is not present in population databases (gnomAD no frequency). This variant has not been reported in the literature in individuals affected with NBN-related conditions. ClinVar contains an entry for this variant (Variation ID: 802418). Algorithms developed to predict the effect of sequence changes on RNA splicing suggest that this variant may disrupt the consensus splice site. In summary, the currently available evidence indicates that the variant is pathogenic, but additional data are needed to prove that conclusively. Therefore, this variant has been classified as Likely Pathogenic.

Ambry Genetics
Classification: Uncertain significance for Hereditary cancer-predisposing syndrome. Last evaluated: 2024-05-27. Review status: criteria provided, single submitter. Criteria: Ambry Variant Classification Scheme 2023. Collection method: clinical testing. Allele origin: germline.
Comment: The c.1914+2_1914+3delTG intronic variant begins 2 nucleotides after coding exon 12 in the NBN gene. This variant results from a deletion of 2 nucleotides at positions c.1914+2 to c.1914+3. This nucleotide region is conserved in available vertebrate species. In silico splice site analysis predicts that this alteration will weaken the native splice donor site. Alterations that disrupt the canonical splice site are expected to result in aberrant splicing. The resulting transcript is predicted to be in-frame and is not expected to trigger nonsense-mediated mRNAdecay; however, direct evidence is unavailable. The exact functional effect of the altered amino acid sequence is unknown. Based on the available evidence, the clinical significance of this variant remains unclear.

Baylor Genetics
Classification: Uncertain significance for Aplastic anemia. Last evaluated: 2023-12-30. Review status: criteria provided, single submitter. Criteria: ACMG Guidelines, 2015. Collection method: clinical testing. Allele origin: unknown.

Genome-Nilou Lab
Classification: Likely pathogenic for Microcephaly, normal intelligence and immunodeficiency. Last evaluated: 2021-11-07. Review status: criteria provided, single submitter. Criteria: ACMG Guidelines, 2015. Collection method: clinical testing. Allele origin: germline. Affected: no.

Color Diagnostics, LLC DBA Color Health
Classification: Uncertain significance for Hereditary cancer-predisposing syndrome. Last evaluated: 2020-12-08. Review status: criteria provided, single submitter. Criteria: ACMG Guidelines, 2015. Collection method: clinical testing. Allele origin: germline.
Comment: This variant deletes two nucleotides at the +2 and +3 positions of intron 12 of the NBN gene. This variant may have a significant impact on RNA splicing and may cause the skipping of exon 12, which would result in an in-frame deletion of 23 amino acids. However, this prediction has not been confirmed in published RNA studies. To our knowledge, this variant has not been reported in individuals affected with hereditary cancer in the literature. This variant has not been identified in the general population by the Genome Aggregation Database (gnomAD). While this variant is expected to disrupt the splice donor site of intron 12, the impact on the encoded protein has not been determined. Conflicting classifications have been reported for variants affecting the same splice site (ClinVar variation ID: 492105, 802418). In addition, to our knowledge, there is no experimental or clinical evidence indicating that exon 12 is associated with critical NBN function or NBN-related diseases. The available evidence is insufficient to determine the role of this variant in disease conclusively based on the ACMG guideline (PMID: 30192042). Therefore, this variant is classified as a Variant of Uncertain Significance.

Mendelics
Classification: Likely pathogenic for Microcephaly, normal intelligence and immunodeficiency. Last evaluated: 2019-05-28. Review status: criteria provided, single submitter. Criteria: Mendelics Assertion Criteria 2017. Collection method: clinical testing. Allele origin: unknown.

Literature cited by the submitters: PubMed 16199547 (cited by Labcorp Genetics (formerly Invitae), Labcorp); PubMed 9590180 (cited by Labcorp Genetics (formerly Invitae), Labcorp); PubMed 16415040 (cited by Labcorp Genetics (formerly Invitae), Labcorp); PubMed 37436117 (cited by Ambry Genetics).